The following is an entry in ClinVar:

NM_013435.3(RAX):c.24A>G (p.Pro8=)

Gene: RAX (retina and anterior neural fold homeobox; minus strand). Cytogenetic location: 18q21.32.
Variant type: single nucleotide variant.
Coding change: c.24A>G on transcript NM_013435.3 (MANE Select); coding-DNA position 24, A replaced by G.
Protein change: p.Pro8=; no amino-acid change (proline 8 retained).
Molecular consequence: synonymous variant.
Genome position (GRCh38, 1-based): chr18:59,273,183, T>C on the plus strand (A>G on the coding strand, the complement: RAX is on the minus strand). VCF-style: chr18-59273183-T-C. GRCh37 (hg19) VCF-style: chr18-56940415-T-C.
Identifiers: ClinVar variation 767328 (VCV000767328.19), dbSNP rs771409497, ClinGen allele CA8979431.

ClinVar aggregate classification (germline): Conflicting classifications of pathogenicity. Review status: criteria provided, conflicting classifications (1 of 4 stars). 5 submissions from 5 submitters: Uncertain significance (1); Likely benign (3). 1 of the submissions does not count toward it. Last evaluated 2026-01-28.

Conditions:
Isolated microphthalmia 3 (MCOPS16). Also called: MICROPHTHALMIA, SYNDROMIC 16. Identifiers: Orphanet 2542, MedGen C5774181, MONDO:0012604, OMIM 611038.
RAX-related disorder. Also called: RAX-related condition.

Allele frequency attached by ClinVar (database versions not stated): ExAC 0.00036; gnomAD 0.00050 and 0.00061; gnomAD exomes 0.00063 and 0.00068; TOPMed 0.00074.
gnomAD v4.1: 1,042 of 1,531,328 alleles (0.068%); highest among the groups gnomAD compares: Non-Finnish European, 0.078%; 2 homozygotes.

Submissions (5):

Labcorp Genetics (formerly Invitae), Labcorp
Classification: Likely benign for Isolated microphthalmia 3. Last evaluated: 2026-01-28. Review status: criteria provided, single submitter. Criteria: Invitae Variant Classification Sherloc (09022015). Collection method: clinical testing. Allele origin: germline.

Blueprint Genetics
Classification: Likely benign. Last evaluated: 2024-11-19. Review status: criteria provided, single submitter. Criteria: ACMG Guidelines, 2015. Collection method: clinical testing. Allele origin: germline.

GeneDx
Classification: Likely benign. Last evaluated: 2020-07-13. Review status: criteria provided, single submitter. Criteria: GeneDx Variant Classification Process June 2021. Collection method: clinical testing. Allele origin: germline. Affected: yes.

Illumina Laboratory Services, Illumina
Classification: Uncertain significance for Isolated microphthalmia 3. Last evaluated: 2017-04-27. Review status: criteria provided, single submitter. Criteria: ICSL Variant Classification Criteria 13 December 2019. Collection method: clinical testing. Allele origin: germline.

PreventionGenetics, part of Exact Sciences
Classification: Likely benign for RAX-related condition. Last evaluated: 2019-07-10. Review status: no assertion criteria provided. Collection method: clinical testing. Allele origin: germline. Not counted in ClinVar's aggregate classification.
Comment: This variant is classified as likely benign based on ACMG/AMP sequence variant interpretation guidelines (Richards et al. 2015 PMID: 25741868, with internal and published modifications).